The following is an entry in ClinVar:

NM_006019.4(TCIRG1):c.65C>T (p.Ala22Val)

Gene: TCIRG1 (T cell immune regulator 1, ATPase H+ transporting V0 subunit a3; plus strand). Cytogenetic location: 11q13.2.
Variant type: single nucleotide variant.
Coding change: c.65C>T on transcript NM_006019.4 (MANE Select); coding-DNA position 65, C replaced by T.
Protein change: p.Ala22Val; replaces alanine 22 with valine.
Molecular consequence: missense variant. On other transcripts: 5 prime UTR variant (1).
Genome position (GRCh38, 1-based): chr11:68,041,336, C>T. VCF-style: chr11-68041336-C-T. GRCh37 (hg19) VCF-style: chr11-67808803-C-T.
Other names: c.-1185C>T (NM_001351059.2); short protein forms A22V.
Identifiers: ClinVar variation 3454265 (VCV003454265.3).
Genomic context (GRCh38, chr11:68,041,336, plus strand): 5'-GCTCCATGTTCCGGAGCGAGGAGGTGGCCCTGGTCCAGCTCTTTCTGCCCACAGCGGCTG[C>T]CTACACCTGCGTGAGTCGGCTGGGCGAGCTGGGCCTCGTGGAGTTCAGAGACGTGAGTTG-3'
Protein context (NP_006010.2, residues 12-32): LVQLFLPTAA[Ala22Val]YTCVSRLGEL

ClinVar aggregate classification (germline): Uncertain significance. Review status: criteria provided, multiple submitters, no conflicts (2 of 4 stars). 2 submissions from 2 submitters: Uncertain significance (2). Last evaluated 2025-04-09.

Conditions:
Inborn genetic diseases. Identifiers: MedGen C0950123, MeSH D030342.

gnomAD v4.1: 2 of 1,613,130 alleles (0.00012%); highest among the groups gnomAD compares: African/African-American, 0.0027%; no homozygotes.

Submissions (2):

Labcorp Genetics (formerly Invitae), Labcorp
Classification: Uncertain significance. Last evaluated: 2025-04-09. Review status: criteria provided, single submitter. Criteria: Invitae Variant Classification Sherloc (09022015). Collection method: clinical testing. Allele origin: germline.
Comment: This sequence change replaces alanine, which is neutral and non-polar, with valine, which is neutral and non-polar, at codon 22 of the TCIRG1 protein (p.Ala22Val). This variant is present in population databases (rs781759806, gnomAD 0.007%). This variant has not been reported in the literature in individuals affected with TCIRG1-related conditions. ClinVar contains an entry for this variant (Variation ID: 3454265). Invitae Evidence Modeling of protein sequence and biophysical properties (such as structural, functional, and spatial information, amino acid conservation, physicochemical variation, residue mobility, and thermodynamic stability) indicates that this missense variant is not expected to disrupt TCIRG1 protein function with a negative predictive value of 80%. In summary, the available evidence is currently insufficient to determine the role of this variant in disease. Therefore, it has been classified as a Variant of Uncertain Significance.

Ambry Genetics
Classification: Uncertain significance for Inborn genetic diseases. Last evaluated: 2024-11-14. Review status: criteria provided, single submitter. Criteria: Ambry Variant Classification Scheme 2023. Collection method: clinical testing. Allele origin: germline.